The following is an entry in ClinVar:

NM_000069.3(CACNA1S):c.3437T>C (p.Met1146Thr)

Gene: CACNA1S (calcium voltage-gated channel subunit alpha1 S; minus strand). Cytogenetic location: 1q32.1.
Variant type: single nucleotide variant.
Coding change: c.3437T>C on transcript NM_000069.3 (MANE Select); coding-DNA position 3437, T replaced by C.
Protein change: p.Met1146Thr; replaces methionine 1146 with threonine.
Molecular consequence: missense variant.
Genome position (GRCh38, 1-based): chr1:201,059,277, A>G on the plus strand (T>C on the coding strand, the complement: CACNA1S is on the minus strand). VCF-style: chr1-201059277-A-G. GRCh37 (hg19) VCF-style: chr1-201028405-A-G.
Other names: c.3437T>C (NM_000069.2); short protein forms M1146T.
Identifiers: ClinVar variation 1519576 (VCV001519576.7), dbSNP rs763707356, ClinGen allele CA36005929.

ClinVar aggregate classification (germline): Uncertain significance. Review status: criteria provided, multiple submitters, no conflicts (2 of 4 stars). 3 submissions from 3 submitters: Uncertain significance (3). Last evaluated 2025-04-25.

Conditions:
Malignant hyperthermia, susceptibility to, 5 (MHS5). Also called: CACNA1S-Related Malignant Hyperthermia Susceptibility. Identifiers: Orphanet 423, MedGen C1866077, MONDO:0011163, OMIM 601887.
Hypokalemic periodic paralysis, type 1. Also called: HypoPP; Hypokalemic Periodic Paralysis Type 1 (AD). Identifiers: Orphanet 681, MedGen C3714580, MONDO:0042979, OMIM 170400.
Inborn genetic diseases. Identifiers: MedGen C0950123, MeSH D030342.

Submissions (3):

Ambry Genetics
Classification: Uncertain significance for Inborn genetic diseases. Last evaluated: 2025-04-25. Review status: criteria provided, single submitter. Criteria: Ambry Variant Classification Scheme 2023. Collection method: clinical testing. Allele origin: germline.

Color Diagnostics, LLC DBA Color Health
Classification: Uncertain significance for Malignant hyperthermia, susceptibility to, 5. Last evaluated: 2023-11-15. Review status: criteria provided, single submitter. Criteria: ACMG Guidelines, 2015. Collection method: clinical testing. Allele origin: germline.
Comment: This missense variant replaces methionine with threonine at codon 1146 of the CACNA1S protein. Computational prediction suggests that this variant may not impact protein structure and function. To our knowledge, functional studies have not been reported for this variant. This variant has not been reported in individuals affected with CACNA1S-related disorders in the literature. This variant has not been identified in the general population by the Genome Aggregation Database (gnomAD). The available evidence is insufficient to determine the role of this variant in disease conclusively. Therefore, this variant is classified as a Variant of Uncertain Significance.

Labcorp Genetics (formerly Invitae), Labcorp
Classification: Uncertain significance for Hypokalemic periodic paralysis, type 1; Malignant hyperthermia, susceptibility to, 5. Last evaluated: 2021-09-01. Review status: criteria provided, single submitter. Criteria: Invitae Variant Classification Sherloc (09022015). Collection method: clinical testing. Allele origin: germline.
Comment: This sequence change replaces methionine with threonine at codon 1146 of the CACNA1S protein (p.Met1146Thr). The methionine residue is moderately conserved and there is a moderate physicochemical difference between methionine and threonine. This variant is not present in population databases (ExAC no frequency). This variant has not been reported in the literature in individuals affected with CACNA1S-related conditions. Advanced modeling of protein sequence and biophysical properties (such as structural, functional, and spatial information, amino acid conservation, physicochemical variation, residue mobility, and thermodynamic stability) performed at Invitae indicates that this missense variant is not expected to disrupt CACNA1S protein function. In summary, the available evidence is currently insufficient to determine the role of this variant in disease. Therefore, it has been classified as a Variant of Uncertain Significance.